The following is an entry in ClinVar:

ClinVar aggregate classification (germline): Uncertain significance (1 of 4 stars; one submission).

Conditions:
Inborn genetic diseases. Identifiers: MedGen C0950123, MeSH D030342.

gnomAD v4.1: 12 of 1,613,808 alleles (0.00074%); highest among the groups gnomAD compares: South Asian, 0.0011%; no homozygotes.

Submission:

Ambry Genetics
Classification: Uncertain significance for Inborn genetic diseases. Last evaluated: 2026-01-09. Review status: criteria provided, single submitter. Criteria: Ambry Variant Classification Scheme 2023. Collection method: clinical testing. Allele origin: germline.
Comment: The c.2381C>T (p.S794F) alteration is located in exon 25 (coding exon 25) of the PHKB gene. This alteration results from a C to T substitution at nucleotide position 2381, causing the serine (S) at amino acid position 794 to be replaced by a phenylalanine (F). Based on data from gnomAD, the T allele has an overall frequency of 0.001% (2/251122) total alleles studied. The highest observed frequency was 0.003% (1/30588) of South Asian alleles. Based on insufficient or conflicting evidence, the clinical significance of this alteration remains unclear.

NM_000293.3(PHKB):c.2381C>T (p.Ser794Phe)

Gene: PHKB (phosphorylase kinase regulatory subunit beta; plus strand). Cytogenetic location: 16q12.1.
Variant type: single nucleotide variant.
Coding change: c.2381C>T on transcript NM_000293.3 (MANE Select); coding-DNA position 2381, C replaced by T.
Protein change: p.Ser794Phe; replaces serine 794 with phenylalanine.
Molecular consequence: missense variant. On other transcripts: intron variant (2).
Genome position (GRCh38, 1-based): chr16:47,664,929, C>T. VCF-style: chr16-47664929-C-T. GRCh37 (hg19) VCF-style: chr16-47698840-C-T.
Other names: c.2337-1013C>T (NM_001363837.1); c.2316-1013C>T (NM_001031835.3); short protein forms S794F.
Identifiers: ClinVar variation 4839152 (VCV004839152.1).
Genomic context (GRCh38, chr16:47,664,929, plus strand): 5'-CCACTGACACACCCAGGTTGGCGGTGCGCTACGGGGCTGCATTTACCCAGAAATTTTCTT[C>T]CTCTATAGCCCCACACATTACTACTTTTCTGGTACATGGGAAACAGGTAACATGCACAGA-3'
Protein context (NP_000284.1, residues 784-804): YGAAFTQKFS[Ser794Phe]SIAPHITTFL